The following is an entry in ClinVar:

ClinVar aggregate classification (germline): Uncertain significance (1 of 4 stars; one submission).

Conditions:
EGFR-related lung cancer (EGFR). Identifiers: MedGen CN130014.

Submission:

Labcorp Genetics (formerly Invitae), Labcorp
Classification: Uncertain significance for EGFR-related lung cancer. Last evaluated: 2020-12-08. Review status: criteria provided, single submitter. Criteria: Invitae Variant Classification Sherloc (09022015). Collection method: clinical testing. Allele origin: germline.
Comment: In summary, the available evidence is currently insufficient to determine the role of this variant in disease. Therefore, it has been classified as a Variant of Uncertain Significance. Algorithms developed to predict the effect of missense changes on protein structure and function (SIFT, PolyPhen-2, Align-GVGD) all suggest that this variant is likely to be tolerated, but these predictions have not been confirmed by published functional studies and their clinical significance is uncertain. This variant has not been reported in the literature in individuals with EGFR-related conditions. This variant is not present in population databases (ExAC no frequency). This sequence change replaces valine with leucine at codon 159 of the EGFR protein (p.Val159Leu). The valine residue is weakly conserved and there is a small physicochemical difference between valine and leucine.

NM_005228.5(EGFR):c.475G>C (p.Val159Leu)

Gene: EGFR (epidermal growth factor receptor; plus strand). Cytogenetic location: 7p11.2.
Variant type: single nucleotide variant.
Coding change: c.475G>C on transcript NM_005228.5 (MANE Select); coding-DNA position 475, G replaced by C.
Protein change: p.Val159Leu; replaces valine 159 with leucine.
Molecular consequence: missense variant. On other transcripts: intron variant (3).
Genome position (GRCh38, 1-based): chr7:55,146,656, G>C. VCF-style: chr7-55146656-G-C. GRCh37 (hg19) VCF-style: chr7-55214349-G-C.
Other names: c.475G>C, p.Val159Leu (NM_001346898.2, NM_201282.2, NM_201283.2 and 1 more transcripts); c.316G>C, p.Val106Leu (NM_001346900.2); c.424+3168G>C (NM_001346899.2, NM_001346897.2); c.89-9174G>C (NM_001346941.2); short protein forms V106L, V159L.
Identifiers: ClinVar variation 1476831 (VCV001476831.8), dbSNP rs2128929494, ClinGen allele CA367576566.